The following is an entry in ClinVar:

NM_001613.4(ACTA2):c.654G>A (p.Leu218=)

Genes: ACTA2-AS1 (ACTA2 antisense RNA 1; plus strand), ACTA2 (actin alpha 2, smooth muscle; minus strand). Cytogenetic location: 10q23.31.
Variant type: single nucleotide variant.
Coding change: c.654G>A on transcript NM_001613.4 (MANE Select); coding-DNA position 654, G replaced by A.
Protein change: p.Leu218=; no amino-acid change (leucine 218 retained).
Molecular consequence: synonymous variant. On other transcripts: non-coding transcript variant (1), intron variant (1).
Genome position (GRCh38, 1-based): chr10:88,939,661, C>T on the plus strand (G>A on the coding strand, the complement: ACTA2 is on the minus strand). VCF-style: chr10-88939661-C-T. GRCh37 (hg19) VCF-style: chr10-90699418-C-T.
Other names: c.654G>A, p.Leu218= (NM_001141945.3, NM_001320855.2, NM_001406462.1 and 2 more transcripts); c.543G>A, p.Leu181= (NM_001406466.1); c.525G>A, p.Leu175= (NM_001406467.1, NM_001406468.1, NM_001406469.1); c.617-1419G>A (NM_001406471.1).
Identifiers: ClinVar variation 921433 (VCV000921433.7), dbSNP rs1437442292, ClinGen allele CA470731130.

ClinVar aggregate classification (germline): Likely benign. Review status: criteria provided, multiple submitters, no conflicts (2 of 4 stars). 4 submissions from 4 submitters: Likely benign (4). Last evaluated 2026-01-07.

Conditions:
Familial thoracic aortic aneurysm and aortic dissection (TAAD). Also called: Thoracic aortic aneurysms and dissections. Identifiers: Orphanet 91387, MedGen C4707243, MONDO:0019625.
Aortic aneurysm, familial thoracic 6 (AAT6). Also called: FAMILIAL THORACIC AORTIC ANEURYSM WITH LIVEDO RETICULARIS AND IRIS FLOCCULI. Identifiers: MedGen C2673186, MONDO:0012730, OMIM 611788.

Allele frequency attached by ClinVar (database versions not stated): TOPMed 0.00001; gnomAD exomes below 0.00001; gnomAD 0.00001.
gnomAD v4.1: 2 of 1,613,920 alleles (0.00012%); highest among the groups gnomAD compares: East Asian, 0.0022%; no homozygotes.

Submissions (4):

Labcorp Genetics (formerly Invitae), Labcorp
Classification: Likely benign for Aortic aneurysm, familial thoracic 6. Last evaluated: 2026-01-07. Review status: criteria provided, single submitter. Criteria: Invitae Variant Classification Sherloc (09022015). Collection method: clinical testing. Allele origin: germline.

Ambry Genetics
Classification: Likely benign for Familial thoracic aortic aneurysm and aortic dissection. Last evaluated: 2025-08-28. Review status: criteria provided, single submitter. Criteria: Ambry Variant Classification Scheme 2023. Collection method: clinical testing. Allele origin: germline.

All of Us Research Program, National Institutes of Health
Classification: Likely benign for Familial thoracic aortic aneurysm and aortic dissection. Last evaluated: 2023-11-30. Review status: criteria provided, single submitter. Criteria: ACMG Guidelines, 2015. Collection method: clinical testing. Allele origin: germline. Inheritance: Autosomal dominant inheritance. Observed: 1 variant allele, 1 heterozygote.
Comment: This study involves interpretation of variants in research participants for the purpose of population health screening. Participant phenotype was not available at the time of variant classification. Additional details can be found in publication PMID: 35346344, PMCID: PMC8962531

Color Diagnostics, LLC DBA Color Health
Classification: Likely benign for Familial thoracic aortic aneurysm and aortic dissection. Last evaluated: 2019-04-20. Review status: criteria provided, single submitter. Criteria: ACMG Guidelines, 2015. Collection method: clinical testing. Allele origin: germline.